The following is an entry in ClinVar:

NM_015102.5(NPHP4):c.2914A>G (p.Ser972Gly)

Gene: NPHP4 (nephrocystin 4; minus strand). Cytogenetic location: 1p36.31.
Variant type: single nucleotide variant.
Coding change: c.2914A>G on transcript NM_015102.5 (MANE Select); coding-DNA position 2914, A replaced by G.
Protein change: p.Ser972Gly; replaces serine 972 with glycine.
Molecular consequence: missense variant. On other transcripts: non-coding transcript variant (1).
Genome position (GRCh38, 1-based): chr1:5,875,004, T>C on the plus strand (A>G on the coding strand, the complement: NPHP4 is on the minus strand). VCF-style: chr1-5875004-T-C. GRCh37 (hg19) VCF-style: chr1-5935064-T-C.
Other names: c.1375A>G, p.Ser459Gly (NM_001291593.2); c.1378A>G, p.Ser460Gly (NM_001291594.2); short protein forms S972G, S459G, S460G.
Identifiers: ClinVar variation 195610 (VCV000195610.50), dbSNP rs187947581, ClinGen allele CA201855.

ClinVar aggregate classification (germline): Benign/Likely benign. Review status: criteria provided, multiple submitters, no conflicts (2 of 4 stars). 11 submissions from 10 submitters: Benign (2); Likely benign (6). 3 of the submissions do not count toward it. Last evaluated 2026-01-24.

Conditions:
Nephronophthisis. Also called: Juvenile Nephronophthisis. Identifiers: Orphanet 655, MedGen C0687120, MONDO:0019005, HP:0000090.
Senior-Loken syndrome 4 (SLSN4). Identifiers: Orphanet 3156, MedGen C1846979, MONDO:0011756, OMIM 606996.
Nephronophthisis 4 (NPHP4). Also called: NEPHRONOPHTHISIS 4, JUVENILE. Identifiers: Orphanet 655, MedGen C1847013, MONDO:0011752, OMIM 606966.

Allele frequency attached by ClinVar (database versions not stated): TOPMed 0.00232; 1000 Genomes Project 30x 0.00234; 1000 Genomes Project 0.00260; ExAC 0.00275; ESP Exome Variant Server 0.00278; gnomAD exomes 0.00278; gnomAD 0.00324 and 0.00330.
gnomAD v4.1: 6,343 of 1,612,104 alleles (0.39%); highest among the groups gnomAD compares: Non-Finnish European, 0.46%; 18 homozygotes.

Submissions (11):

Labcorp Genetics (formerly Invitae), Labcorp
Classification: Benign for Nephronophthisis. Last evaluated: 2026-01-24. Review status: criteria provided, single submitter. Criteria: Invitae Variant Classification Sherloc (09022015). Collection method: clinical testing. Allele origin: germline.

CeGaT Center for Human Genetics Tuebingen
Classification: Likely benign. Last evaluated: 2025-09-01. Review status: criteria provided, single submitter. Criteria: CeGaT Center For Human Genetics Tuebingen Variant Classification Criteria Version 2. Collection method: clinical testing. Allele origin: germline. Affected: yes. Observed: 6 variant alleles.
Comment: NPHP4: BS2

Blueprint Genetics
Classification: Likely benign. Last evaluated: 2024-11-21. Review status: criteria provided, single submitter. Criteria: ACMG Guidelines, 2015. Collection method: clinical testing. Allele origin: germline.

Illumina Laboratory Services, Illumina
Classification: Likely benign for Nephronophthisis 4. Last evaluated: 2017-04-27. Review status: criteria provided, single submitter. Criteria: ICSL Variant Classification Criteria 13 December 2019. Collection method: clinical testing. Allele origin: germline.
Comment: This variant was observed as part of a predisposition screen in an ostensibly healthy population. A literature search was performed for the gene, cDNA change, and amino acid change (where applicable). No publications were found based on this search. Allele frequency data from public databases allowed determination this variant is unlikely to cause disease. Therefore, this variant is classified as likely benign.

Illumina Laboratory Services, Illumina
Classification: Likely benign for Senior-Loken syndrome 4. Last evaluated: 2017-04-27. Review status: criteria provided, single submitter. Criteria: ICSL Variant Classification Criteria 13 December 2019. Collection method: clinical testing. Allele origin: germline.
Comment: the same text as in the submission from Illumina Laboratory Services, Illumina above.

Center for Pediatric Genomic Medicine, Children's Mercy Hospital and Clinics
Classification: Likely benign. Last evaluated: 2015-05-22. Review status: criteria provided, single submitter. Criteria: ACMG Guidelines, 2015. Collection method: clinical testing. Allele origin: germline.
ClinVar note: Converted during submission from Likely Benign to Likely benign.

Eurofins Ntd Llc (ga)
Classification: Benign. Last evaluated: 2015-01-13. Review status: criteria provided, single submitter. Criteria: EGL Classification Definitions 2015. Collection method: clinical testing. Allele origin: germline. Observed: 2 variant alleles, 2 heterozygotes.

Breakthrough Genomics
Classification: Likely benign. Review status: criteria provided, single submitter. Criteria: ACMG Guidelines, 2015. Collection method: not provided. Allele origin: germline. Inheritance: Autosomal recessive inheritance. Affected: yes.

Clinical Genetics DNA and cytogenetics Diagnostics Lab, Erasmus MC, Erasmus Medical Center
Classification: Likely benign. Review status: no assertion criteria provided. Collection method: clinical testing. Allele origin: germline. Affected: yes. Study: VKGL Data-share Consensus. Not counted in ClinVar's aggregate classification.

Clinical Genetics, Academic Medical Center
Classification: Likely benign. Review status: no assertion criteria provided. Collection method: clinical testing. Allele origin: germline. Affected: yes. Study: VKGL Data-share Consensus. Not counted in ClinVar's aggregate classification.

Genome Diagnostics Laboratory, University Medical Center Utrecht
Classification: Likely benign. Review status: no assertion criteria provided. Collection method: clinical testing. Allele origin: germline. Affected: yes. Study: VKGL Data-share Consensus. Not counted in ClinVar's aggregate classification.